The following is an entry in ClinVar:

NM_000291.4(PGK1):c.161G>A (p.Gly54Glu)

Gene: PGK1 (phosphoglycerate kinase 1; plus strand). Cytogenetic location: Xq21.1.
Variant type: single nucleotide variant.
Coding change: c.161G>A on transcript NM_000291.4 (MANE Select); coding-DNA position 161, G replaced by A.
Protein change: p.Gly54Glu; replaces glycine 54 with glutamic acid.
Molecular consequence: missense variant.
Genome position (GRCh38, 1-based): chrX:78,113,788, G>A. VCF-style: chrX-78113788-G-A. GRCh37 (hg19) VCF-style: chrX-77369285-G-A.
Other names: short protein forms G54E.
Identifiers: ClinVar variation 2178502 (VCV002178502.4), dbSNP rs2522486633, ClinGen allele CA413718862.

ClinVar aggregate classification (germline): Uncertain significance (1 of 4 stars; one submission).

Allele frequency attached by ClinVar (database versions not stated): gnomAD exomes below 0.00001.
gnomAD v4.1: 2 of 1,208,767 alleles (0.00017%); highest among the groups gnomAD compares: Admixed American, 0.0022%; no homozygotes.

Submission:

Labcorp Genetics (formerly Invitae), Labcorp
Classification: Uncertain significance. Last evaluated: 2023-10-05. Review status: criteria provided, single submitter. Criteria: Invitae Variant Classification Sherloc (09022015). Collection method: clinical testing. Allele origin: germline.
Comment: This sequence change replaces glycine, which is neutral and non-polar, with glutamic acid, which is acidic and polar, at codon 54 of the PGK1 protein (p.Gly54Glu). This variant is not present in population databases (gnomAD no frequency). This variant has not been reported in the literature in individuals affected with PGK1-related conditions. ClinVar contains an entry for this variant (Variation ID: 2178502). Advanced modeling of protein sequence and biophysical properties (such as structural, functional, and spatial information, amino acid conservation, physicochemical variation, residue mobility, and thermodynamic stability) performed at Invitae indicates that this missense variant is not expected to disrupt PGK1 protein function. In summary, the available evidence is currently insufficient to determine the role of this variant in disease. Therefore, it has been classified as a Variant of Uncertain Significance.